The following is an entry in ClinVar:

NM_001190274.2(FBXO11):c.2351C>A (p.Thr784Lys)

Genes: FBXO11 (F-box protein 11; minus strand), MSH6 (mutS homolog 6; plus strand). Cytogenetic location: 2p16.3.
Variant type: single nucleotide variant.
Coding change: c.2351C>A on transcript NM_001190274.2 (MANE Select); coding-DNA position 2351, C replaced by A.
Protein change: p.Thr784Lys; replaces threonine 784 with lysine.
Molecular consequence: missense variant. On other transcripts: intron variant (6).
Genome position (GRCh38, 1-based): chr2:47,809,695, G>T on the plus strand (C>A on the coding strand, the complement: FBXO11 is on the minus strand). VCF-style: chr2-47809695-G-T. GRCh37 (hg19) VCF-style: chr2-48036834-G-T.
Other names: c.2099C>A, p.Thr700Lys (NM_001374325.1, NM_025133.4); c.*44-304G>T (NM_001406809.1); c.*41-304G>T (NM_001406796.1, NM_001406811.1, NM_001406805.1 and 2 more transcripts); short protein forms T700K, T784K.
Identifiers: ClinVar variation 3902014 (VCV003902014.1).

ClinVar aggregate classification (germline): Uncertain significance (1 of 4 stars; one submission).

Conditions:
Intellectual developmental disorder with dysmorphic facies and behavioral abnormalities. Identifiers: MedGen C4748135, MONDO:0060760, OMIM 618089.

Submission:

Laboratorio de Genetica e Diagnostico Molecular, Hospital Israelita Albert Einstein
Classification: Uncertain significance for Intellectual developmental disorder with dysmorphic facies and behavioral abnormalities. Last evaluated: 2024-09-05. Review status: criteria provided, single submitter. Criteria: ACMG Guidelines, 2015. Collection method: clinical testing. Allele origin: germline. Affected: yes.
Comment: ACMG classification criteria: PM2 supporting, PP2 supporting, PP3 supporting